The following is an entry in ClinVar:

NM_001385641.1(SAMD11):c.2277G>T (p.Lys759Asn)

Gene: SAMD11 (sterile alpha motif domain containing 11; plus strand). Cytogenetic location: 1p36.33.
Variant type: single nucleotide variant.
Coding change: c.2277G>T on transcript NM_001385641.1 (MANE Select); coding-DNA position 2277, G replaced by T.
Protein change: p.Lys759Asn; replaces lysine 759 with asparagine.
Molecular consequence: missense variant.
Genome position (GRCh38, 1-based): chr1:943,796, G>T. VCF-style: chr1-943796-G-T. GRCh37 (hg19) VCF-style: chr1-879176-G-T.
Other names: c.2280G>T, p.Lys760Asn (NM_001385640.1); c.1788G>T, p.Lys596Asn (NM_152486.4); c.1788G>T (NM_152486.2); short protein forms K596N, K759N, K760N.
Identifiers: ClinVar variation 1515873 (VCV001515873.10), dbSNP rs769656866, ClinGen allele CA503274.
Genomic context (GRCh38, chr1:943,796, plus strand): 5'-ACTGCTGACGGAGGAGCACCTGCTGACCAACATGGGGCTGAAGCTGGGGCCCGCCCTCAA[G>T]ATCCGGGCCCAGGTGAGACGCTGGGGAGTGAGGTCAGGGTCTCCAGACCACAGCTGGGCA-3'
Protein context (NP_001372570.1, residues 749-769): NMGLKLGPAL[Lys759Asn]IRAQVARRLG

ClinVar aggregate classification (germline): Uncertain significance. Review status: criteria provided, multiple submitters, no conflicts (2 of 4 stars). 3 submissions from 3 submitters: Uncertain significance (3). Last evaluated 2025-10-24.

Allele frequency attached by ClinVar (database versions not stated): TOPMed below 0.00001; gnomAD 0.00001; ExAC 0.00002; gnomAD exomes 0.00002.
gnomAD v4.1: 7 of 1,612,640 alleles (0.00043%); highest among the groups gnomAD compares: Non-Finnish European, 0.00051%; no homozygotes.

Submissions (3):

Ambry Genetics
Classification: Uncertain significance. Last evaluated: 2025-10-24. Review status: criteria provided, single submitter. Criteria: Ambry Variant Classification Scheme 2023. Collection method: clinical testing. Allele origin: germline.

Labcorp Genetics (formerly Invitae), Labcorp
Classification: Uncertain significance. Last evaluated: 2024-11-11. Review status: criteria provided, single submitter. Criteria: Invitae Variant Classification Sherloc (09022015). Collection method: clinical testing. Allele origin: germline.
Comment: This sequence change replaces lysine, which is basic and polar, with asparagine, which is neutral and polar, at codon 596 of the SAMD11 protein (p.Lys596Asn). This variant is present in population databases (rs769656866, gnomAD 0.004%). This variant has not been reported in the literature in individuals affected with SAMD11-related conditions. ClinVar contains an entry for this variant (Variation ID: 1515873). An algorithm developed to predict the effect of missense changes on protein structure and function (PolyPhen-2) suggests that this variant is likely to be disruptive. In summary, the available evidence is currently insufficient to determine the role of this variant in disease. Therefore, it has been classified as a Variant of Uncertain Significance.

Blueprint Genetics
Classification: Uncertain significance. Last evaluated: 2018-10-09. Review status: criteria provided, single submitter. Criteria: ACMG Guidelines, 2015. Collection method: clinical testing. Allele origin: germline.